The following is an entry in ClinVar:

ClinVar aggregate classification (germline): Pathogenic (1 of 4 stars; one submission).

Submission:

Labcorp Genetics (formerly Invitae), Labcorp
Classification: Pathogenic. Last evaluated: 2025-06-11. Review status: criteria provided, single submitter. Criteria: Invitae Variant Classification Sherloc (09022015). Collection method: clinical testing. Allele origin: germline.
Comment: This sequence change creates a premature translational stop signal (p.Glu216Glyfs*16) in the CPOX gene. It is expected to result in an absent or disrupted protein product. Loss-of-function variants in CPOX are known to be pathogenic (PMID: 9888388). This variant is not present in population databases (gnomAD no frequency). This variant has not been reported in the literature in individuals affected with CPOX-related conditions. Algorithms developed to predict the effect of sequence changes on RNA splicing suggest that this variant may disrupt the consensus splice site. For these reasons, this variant has been classified as Pathogenic.

Literature cited by the submitters: PubMed 9888388.

NM_000097.7(CPOX):c.647_648del (p.Glu216fs)

Gene: CPOX (coproporphyrinogen oxidase; minus strand). Cytogenetic location: 3q11.2.
Variant type: Microsatellite.
Coding change: c.647_648del on transcript NM_000097.7 (MANE Select); coding-DNA positions 647 to 648, 2 bases deleted (AG; older notation c.647_648delAG).
Protein change: p.Glu216fs; shifts the reading frame from glutamic acid 216.
Molecular consequence: frameshift variant.
Genome position (GRCh38, 1-based): chr3:98,591,064-98,591,065, CT deleted on the plus strand (AG on the coding strand, the reverse complement: CPOX is on the minus strand); deleting any 2 consecutive bases within chr3:98,591,064-98,591,067 gives the same sequence; the c. name uses the placement nearest the transcript's 3' end. VCF-style (leftmost placement, unchanged base first): chr3-98591063-CCT-C. GRCh37 (hg19) VCF-style: chr3-98309907-CCT-C.
Other names: short protein forms E216fs.
Identifiers: ClinVar variation 4774154 (VCV004774154.1).